The following is an entry in ClinVar:

ClinVar aggregate classification (germline): Likely pathogenic (1 of 4 stars; one submission).

Conditions:
Hereditary von Willebrand disease. Identifiers: Orphanet 903, MedGen C5703318, MONDO:0019565. Inheritance: Autosomal recessive or Autosomal dominant.

Submission:

North West Genomic Laboratory Hub, Manchester University NHS Foundation Trust
Classification: Likely pathogenic for von Willebrand disease. Last evaluated: 2025-05-22. Review status: criteria provided, single submitter. Criteria: ACGS Best Practice Guidelines for Variant Classification in Rare Disease 2024. Collection method: clinical testing. Allele origin: germline. Affected: yes.
Comment: PM5_Supp PM2_Mod PP3_Supp PP4_Mod

NM_000552.5(VWF):c.3887T>G (p.Leu1296Arg)

Gene: VWF (von Willebrand factor; minus strand). Cytogenetic location: 12p13.31.
Variant type: single nucleotide variant.
Coding change: c.3887T>G on transcript NM_000552.5 (MANE Select); coding-DNA position 3887, T replaced by G.
Protein change: p.Leu1296Arg; replaces leucine 1296 with arginine.
Molecular consequence: missense variant.
Genome position (GRCh38, 1-based): chr12:6,019,531, A>C on the plus strand (T>G on the coding strand, the complement: VWF is on the minus strand). VCF-style: chr12-6019531-A-C. GRCh37 (hg19) VCF-style: chr12-6128697-A-C.
Other names: short protein forms L1296R.
Identifiers: ClinVar variation 4886882 (VCV004886882.1).